The following is an entry in ClinVar:

NM_205861.3(DHDDS):c.697C>T (p.Pro233Ser)

Gene: DHDDS (dehydrodolichyl diphosphate synthase subunit; plus strand). Cytogenetic location: 1p36.11.
Variant type: single nucleotide variant.
Coding change: c.697C>T on transcript NM_205861.3 (MANE Select); coding-DNA position 697, C replaced by T.
Protein change: p.Pro233Ser; replaces proline 233 with serine.
Molecular consequence: missense variant.
Genome position (GRCh38, 1-based): chr1:26,460,076, C>T. VCF-style: chr1-26460076-C-T. GRCh37 (hg19) VCF-style: chr1-26786567-C-T.
Other names: c.595C>T, p.Pro199Ser (NM_001243564.2); c.580C>T, p.Pro194Ser (NM_001243565.2); c.418C>T, p.Pro140Ser (NM_001319959.2); c.697C>T, p.Pro233Ser (NM_024887.4); short protein forms P140S, P199S, P233S, P194S.
Identifiers: ClinVar variation 3664633 (VCV003664633.2).

ClinVar aggregate classification (germline): Uncertain significance (1 of 4 stars; one submission).

Conditions:
Retinitis pigmentosa 59 (RP59). Identifiers: Orphanet 791, MedGen C3151227, MONDO:0013468, OMIM 613861.

Submission:

Labcorp Genetics (formerly Invitae), Labcorp
Classification: Uncertain significance for Retinitis pigmentosa 59. Last evaluated: 2025-02-23. Review status: criteria provided, single submitter. Criteria: Invitae Variant Classification Sherloc (09022015). Collection method: clinical testing. Allele origin: germline.
Comment: This sequence change replaces proline, which is neutral and non-polar, with serine, which is neutral and polar, at codon 233 of the DHDDS protein (p.Pro233Ser). This variant is not present in population databases (gnomAD no frequency). This variant has not been reported in the literature in individuals affected with DHDDS-related conditions. Invitae Evidence Modeling of protein sequence and biophysical properties (such as structural, functional, and spatial information, amino acid conservation, physicochemical variation, residue mobility, and thermodynamic stability) indicates that this missense variant is expected to disrupt DHDDS protein function with a positive predictive value of 80%. This variant disrupts the p.Pro233 amino acid residue in DHDDS. Other variant(s) that disrupt this residue have been determined to be pathogenic (PMID: 34382076). This suggests that this residue is clinically significant, and that variants that disrupt this residue are likely to be disease-causing. In summary, the available evidence is currently insufficient to determine the role of this variant in disease. Therefore, it has been classified as a Variant of Uncertain Significance.

Literature cited by the submitters: PubMed 34382076.